The following is an entry in ClinVar:

NM_006218.4(PIK3CA):c.301G>C (p.Val101Leu)

Gene: PIK3CA (phosphatidylinositol-4,5-bisphosphate 3-kinase catalytic subunit alpha; plus strand). Cytogenetic location: 3q26.32.
Variant type: single nucleotide variant.
Coding change: c.301G>C on transcript NM_006218.4 (MANE Select); coding-DNA position 301, G replaced by C.
Protein change: p.Val101Leu; replaces valine 101 with leucine.
Molecular consequence: missense variant.
Genome position (GRCh38, 1-based): chr3:179,199,126, G>C. VCF-style: chr3-179199126-G-C. GRCh37 (hg19) VCF-style: chr3-178916914-G-C.
Other names: short protein forms V101L.
Identifiers: ClinVar variation 1003976 (VCV001003976.9), dbSNP rs1724342655, ClinGen allele CA355272633.
Genomic context (GRCh38, chr3:179,199,126, plus strand): 5'-GAATTTTTTGATGAAACAAGACGACTTTGTGACCTTCGGCTTTTTCAACCCTTTTTAAAA[G>C]TAATTGAACCAGTAGGCAACCGTGAAGAAAAGATCCTCAATCGAGAAATTGGTATGATAC-3'
Protein context (NP_006209.2, residues 91-111): DLRLFQPFLK[Val101Leu]IEPVGNREEK

ClinVar aggregate classification (germline): Uncertain significance (1 of 4 stars; one submission).

Conditions:
Cowden syndrome (CS). Also called: Cowden's disease; Cowden's syndrome; Cowden disease. Identifiers: Orphanet 201, MedGen C0018553, MONDO:0016063. Disease mechanism: gain of function.

Submission:

Labcorp Genetics (formerly Invitae), Labcorp
Classification: Uncertain significance for Cowden syndrome. Last evaluated: 2024-04-30. Review status: criteria provided, single submitter. Criteria: Invitae Variant Classification Sherloc (09022015). Collection method: clinical testing. Allele origin: germline.
Comment: This sequence change replaces valine, which is neutral and non-polar, with leucine, which is neutral and non-polar, at codon 101 of the PIK3CA protein (p.Val101Leu). This variant is not present in population databases (gnomAD no frequency). This variant has not been reported in the literature in individuals affected with PIK3CA-related conditions. ClinVar contains an entry for this variant (Variation ID: 1003976). Advanced modeling of protein sequence and biophysical properties (such as structural, functional, and spatial information, amino acid conservation, physicochemical variation, residue mobility, and thermodynamic stability) has been performed at Invitae for this missense variant, however the output from this modeling did not meet the statistical confidence thresholds required to predict the impact of this variant on PIK3CA protein function. In summary, the available evidence is currently insufficient to determine the role of this variant in disease. Therefore, it has been classified as a Variant of Uncertain Significance.